The following is an entry in ClinVar:

NM_000548.5(TSC2):c.1879C>T (p.His627Tyr)

Gene: TSC2 (TSC complex subunit 2; plus strand). Cytogenetic location: 16p13.3.
Variant type: single nucleotide variant.
Coding change: c.1879C>T on transcript NM_000548.5 (MANE Select); coding-DNA position 1879, C replaced by T.
Protein change: p.His627Tyr; replaces histidine 627 with tyrosine.
Molecular consequence: missense variant.
Genome position (GRCh38, 1-based): chr16:2,071,549, C>T. VCF-style: chr16-2071549-C-T. GRCh37 (hg19) VCF-style: chr16-2121550-C-T.
Other names: c.1879C>T, p.His627Tyr (NM_001077183.3, NM_001114382.3, NM_001363528.2 and 6 more transcripts); c.1768C>T, p.His590Tyr (NM_001318827.2, NM_001406670.1, NM_001406678.1); c.1732C>T, p.His578Tyr (NM_001318829.2, NM_001406675.1, NM_001406676.1 and 1 more transcripts); c.1279C>T, p.His427Tyr (NM_001318831.2, NM_001406680.1, NM_001406682.1 and 6 more transcripts); c.1912C>T, p.His638Tyr (NM_001318832.2); c.1969C>T, p.His657Tyr (NM_001406667.1, NM_001406668.1); c.1867C>T, p.His623Tyr (NM_001406671.1, NM_001406673.1); c.1822C>T, p.His608Tyr (NM_001406677.1); and 3 more; short protein forms H578Y, H590Y, H623Y, H657Y, H427Y, H93Y, H608Y, H627Y.
Identifiers: ClinVar variation 2088429 (VCV002088429.5), dbSNP rs2151297114, ClinGen allele CA394273101.

ClinVar aggregate classification (germline): Uncertain significance. Review status: criteria provided, multiple submitters, no conflicts (2 of 4 stars). 2 submissions from 2 submitters: Uncertain significance (2). Last evaluated 2023-05-04.

Conditions:
Tuberous sclerosis 2 (TSC2). Identifiers: Orphanet 805, MedGen C1860707, MONDO:0013199, OMIM 613254.
Tuberous sclerosis syndrome (TSC). Also called: Tuberous sclerosis; Tuberous Sclerosis Complex. Identifiers: Orphanet 805, MedGen C0041341, MONDO:0001734.

Allele frequency attached by ClinVar (database versions not stated): gnomAD exomes below 0.00001.
gnomAD v4.1: 1 of 1,613,598 alleles (0.000062%); highest among the groups gnomAD compares: Non-Finnish European, 0.000085%; no homozygotes.

Submissions (2):

All of Us Research Program, National Institutes of Health
Classification: Uncertain significance for Tuberous sclerosis syndrome. Last evaluated: 2023-05-04. Review status: criteria provided, single submitter. Criteria: ACMG Guidelines, 2015. Collection method: clinical testing. Allele origin: germline. Inheritance: Autosomal dominant inheritance. Observed: 1 variant allele, 1 heterozygote.
Comment: This missense variant replaces histidine with tyrosine at codon 627 of the TSC2 protein. Computational prediction is inconclusive regarding the impact of this variant on protein structure and function (internally defined REVEL score threshold 0.5 < inconclusive < 0.7, PMID: 27666373). To our knowledge, functional studies have not been reported for this variant. This variant has not been reported in individuals affected with tuberous sclerosis complex in the literature. This variant has not been identified in the general population by the Genome Aggregation Database (gnomAD). The available evidence is insufficient to determine the role of this variant in disease conclusively. Therefore, this variant is classified as a Variant of Uncertain Significance.

This study involves interpretation of variants in research participants for the purpose of population health screening. Participant phenotype was not available at the time of variant classification. Additional details can be found in publication PMID: 35346344, PMCID: PMC8962531

Labcorp Genetics (formerly Invitae), Labcorp
Classification: Uncertain significance for Tuberous sclerosis 2. Last evaluated: 2022-05-12. Review status: criteria provided, single submitter. Criteria: Invitae Variant Classification Sherloc (09022015). Collection method: clinical testing. Allele origin: germline.
Comment: In summary, the available evidence is currently insufficient to determine the role of this variant in disease. Therefore, it has been classified as a Variant of Uncertain Significance. Advanced modeling of protein sequence and biophysical properties (such as structural, functional, and spatial information, amino acid conservation, physicochemical variation, residue mobility, and thermodynamic stability) performed at Invitae indicates that this missense variant is not expected to disrupt TSC2 protein function. This variant has not been reported in the literature in individuals affected with TSC2-related conditions. This variant is not present in population databases (gnomAD no frequency). This sequence change replaces histidine, which is basic and polar, with tyrosine, which is neutral and polar, at codon 627 of the TSC2 protein (p.His627Tyr).